The following is an entry in ClinVar:

ClinVar aggregate classification (germline): Uncertain significance (1 of 4 stars; one submission).

Conditions:
Neurofibromatosis, type 1 (NF1). Also called: NEUROFIBROMATOSIS, TYPE I, SOMATIC; Neurofibromatosis, type I; Peripheral type neurofibromatosis; VON RECKLINGHAUSEN DISEASE. Identifiers: Orphanet 636, MedGen C0027831, MONDO:0018975, OMIM 162200. Disease mechanism: loss of function.

Submission:

Labcorp Genetics (formerly Invitae), Labcorp
Classification: Uncertain significance for Neurofibromatosis, type 1. Last evaluated: 2022-03-26. Review status: criteria provided, single submitter. Criteria: Invitae Variant Classification Sherloc (09022015). Collection method: clinical testing. Allele origin: germline.
Comment: In summary, the available evidence is currently insufficient to determine the role of this variant in disease. Therefore, it has been classified as a Variant of Uncertain Significance. Algorithms developed to predict the effect of missense changes on protein structure and function are either unavailable or do not agree on the potential impact of this missense change (SIFT: "Tolerated"; PolyPhen-2: "Probably Damaging"; Align-GVGD: "Class C0"). This variant has not been reported in the literature in individuals affected with NF1-related conditions. This variant is not present in population databases (gnomAD no frequency). This sequence change replaces serine, which is neutral and polar, with glycine, which is neutral and non-polar, at codon 465 of the NF1 protein (p.Ser465Gly).

NM_001042492.3(NF1):c.1393A>G (p.Ser465Gly)

Gene: NF1 (neurofibromin 1; plus strand). Cytogenetic location: 17q11.2.
Variant type: single nucleotide variant.
Coding change: c.1393A>G on transcript NM_001042492.3 (MANE Select); coding-DNA position 1393, A replaced by G.
Protein change: p.Ser465Gly; replaces serine 465 with glycine.
Molecular consequence: missense variant.
Genome position (GRCh38, 1-based): chr17:31,214,451, A>G. VCF-style: chr17-31214451-A-G. GRCh37 (hg19) VCF-style: chr17-29541469-A-G.
Other names: c.1393A>G, p.Ser465Gly (NM_000267.4, NM_001128147.3); short protein forms S465G.
Identifiers: ClinVar variation 2117741 (VCV002117741.4), dbSNP rs2143958589, ClinGen allele CA399001405.
Genomic context (GRCh38, chr17:31,214,451, plus strand): 5'-GGTTGGATAGCTATTATCCTGAGTCTTATGTCTGATACCATGTTTTTGTTTTGTTTTTAG[A>G]GTCTTACATTTAAAGAAAAAGTAACAAGCCTTAAATTTAAAGAAAAACCTACAGACCTGG-3'
Protein context (NP_001035957.1, residues 455-475): GAHPAIRMAP[Ser465Gly]LTFKEKVTSL